The following is an entry in ClinVar:

ClinVar aggregate classification (germline): Uncertain significance (1 of 4 stars; one submission).

Submission:

Labcorp Genetics (formerly Invitae), Labcorp
Classification: Uncertain significance. Last evaluated: 2023-02-06. Review status: criteria provided, single submitter. Criteria: Invitae Variant Classification Sherloc (09022015). Collection method: clinical testing. Allele origin: germline.
Comment: This variant has not been reported in the literature in individuals affected with RORB-related conditions. This variant is not present in population databases (gnomAD no frequency). This sequence change replaces asparagine, which is neutral and polar, with lysine, which is basic and polar, at codon 143 of the RORB protein (p.Asn143Lys). Algorithms developed to predict the effect of missense changes on protein structure and function are either unavailable or do not agree on the potential impact of this missense change (SIFT: "Deleterious"; PolyPhen-2: "Benign"; Align-GVGD: "Class C65"). In summary, the available evidence is currently insufficient to determine the role of this variant in disease. Therefore, it has been classified as a Variant of Uncertain Significance.

NM_006914.4(RORB):c.429C>A (p.Asn143Lys)

Gene: RORB (RAR related orphan receptor B; plus strand). Cytogenetic location: 9q21.13.
Variant type: single nucleotide variant.
Coding change: c.429C>A on transcript NM_006914.4 (MANE Select); coding-DNA position 429, C replaced by A.
Protein change: p.Asn143Lys; replaces asparagine 143 with lysine.
Molecular consequence: missense variant.
Genome position (GRCh38, 1-based): chr9:74,642,607, C>A. VCF-style: chr9-74642607-C-A. GRCh37 (hg19) VCF-style: chr9-77257523-C-A.
Other names: c.462C>A, p.Asn154Lys (NM_001365023.1); short protein forms N143K, N154K.
Identifiers: ClinVar variation 2779642 (VCV002779642.3), dbSNP rs573233356, ClinGen allele CA373769837.